The following is an entry in ClinVar:

NM_007294.4(BRCA1):c.5383C>T (p.Leu1795Phe)

Gene: BRCA1 (BRCA1 DNA repair associated; minus strand). Cytogenetic location: 17q21.31.
Variant type: single nucleotide variant.
Coding change: c.5383C>T on transcript NM_007294.4 (MANE Select); coding-DNA position 5383, C replaced by T.
Protein change: p.Leu1795Phe; replaces leucine 1795 with phenylalanine.
Molecular consequence: missense variant. On other transcripts: non-coding transcript variant (1), intron variant (1).
Genome position (GRCh38, 1-based): chr17:43,049,144, G>A on the plus strand (C>T on the coding strand, the complement: BRCA1 is on the minus strand). VCF-style: chr17-43049144-G-A. GRCh37 (hg19) VCF-style: chr17-41201161-G-A.
Other names: c.5170C>T, p.Leu1724Phe (NM_001407571.1, NM_001407900.1, NM_001407902.1 and 12 more transcripts); c.5449C>T, p.Leu1817Phe (NM_001407581.1, NM_001407582.1); c.5446C>T, p.Leu1816Phe (NM_001407583.1, NM_001407585.1, NM_001407587.1 and 1 more transcripts); c.5443C>T, p.Leu1815Phe (NM_001407590.1, NM_001407591.1); c.5383C>T, p.Leu1795Phe (NM_001407593.1, NM_001407594.1, NM_001407596.1 and 5 more transcripts); c.5380C>T, p.Leu1794Phe (NM_001407610.1, NM_001407611.1, NM_001407612.1 and 14 more transcripts); c.5377C>T, p.Leu1793Phe (NM_001407627.1, NM_001407628.1, NM_001407629.1 and 13 more transcripts); c.5374C>T, p.Leu1792Phe (NM_001407644.1, NM_001407645.1); and 73 more; short protein forms L1795F, L1816F, L1748F, L691F, L1499F, L1626F, L1683F, L1705F.
Identifiers: ClinVar variation 240821 (VCV000240821.14), dbSNP rs878854958, ClinGen allele CA10583547.

ClinVar aggregate classification (germline): Conflicting classifications of pathogenicity. Review status: criteria provided, conflicting classifications (1 of 4 stars). 4 submissions from 4 submitters: Uncertain significance (1); Likely benign (2). 1 of the submissions does not count toward it. Last evaluated 2025-05-05.

Conditions:
Hereditary cancer-predisposing syndrome. Also called: Hereditary Cancer Syndrome; Neoplastic Syndromes, Hereditary; Hereditary neoplastic syndrome; Tumor predisposition. Identifiers: Orphanet 140162, MedGen C0027672, MeSH D009386, MONDO:0015356.
Hereditary breast ovarian cancer syndrome. Also called: Hereditary breast and ovarian cancer syndrome (HBOC); Breast and ovarian cancer; Hereditary breast and ovarian cancer syndrome; Hereditary breast and ovarian cancer; BRCA1- and BRCA2-Associated Hereditary Breast and Ovarian Cancer; Hereditary breast and/or ovarian cancer syndrome. Identifiers: Orphanet 145, MedGen C0677776, MeSH D061325, MONDO:0003582. Disease mechanism: loss of function.
Breast-ovarian cancer, familial, susceptibility to, 1 (BROVCA1). Also called: BRCA1 Hereditary Breast and Ovarian Cancer; OVARIAN CANCER, SUSCEPTIBILITY TO. Identifiers: Orphanet 145, MedGen C2676676, MONDO:0011450, OMIM 604370. Disease mechanism: loss of function.

Allele frequency attached by ClinVar (database versions not stated): gnomAD exomes below 0.00001.
gnomAD v4.1: 2 of 1,614,080 alleles (0.00012%); highest among the groups gnomAD compares: Admixed American, 0.0017%; no homozygotes.

Submissions (5):

Labcorp Genetics (formerly Invitae), Labcorp
Classification: Uncertain significance for Hereditary breast ovarian cancer syndrome. Last evaluated: 2025-05-05. Review status: criteria provided, single submitter. Criteria: Invitae Variant Classification Sherloc (09022015). Collection method: clinical testing. Allele origin: germline.
Comment: This sequence change replaces leucine, which is neutral and non-polar, with phenylalanine, which is neutral and non-polar, at codon 1795 of the BRCA1 protein (p.Leu1795Phe). This variant is present in population databases (no rsID available, gnomAD 0.003%). This missense change has been observed in individual(s) with breast cancer (PMID: 26287763). This variant is also known as 5242C>T. ClinVar contains an entry for this variant (Variation ID: 240821). Invitae Evidence Modeling incorporating data from in vitro experimental studies (PMID: 30209399) indicates that this missense variant is not expected to disrupt BRCA1 function with a negative predictive value of 95%. Experimental studies have shown that this missense change does not substantially affect BRCA1 function (PMID: 30209399). In summary, the available evidence is currently insufficient to determine the role of this variant in disease. Therefore, it has been classified as a Variant of Uncertain Significance.

Lupski Lab, Baylor-Hopkins CMG, Baylor College of Medicine
Classification: Likely benign for Breast-ovarian cancer, familial, susceptibility to, 1. Last evaluated: 2024-04-12. Review status: criteria provided, single submitter. Criteria: Dawood et al. (medRxiv. 2024). Collection method: curation. Allele origin: germline.
Comment: Each variant was annotated with functional scores from MAVE data which was translated into functional evidence codes. All other evidence codes and combining criteria were adhered to as closely as possible based on the ClinGen VCEP (Variant Curation Expert Panel) gene-specific recommendations. See Supplemental Figure 34 of final paper (Supp Fig. 28 in preprint: doi:10.1101/2024.04.11.24305690) for a table to see which lines of evidence we did not have data for. The ClinGen VCEPs are highly regarded as the gold-standard for gene-specific variant curation and are developed after extensive evaluation of the evidence by clinical and scientific experts for the particular gene to classify genomic variants on a spectrum from pathogenic to benign using the 2015 ACMG/AMP Variant Interpretation Guidelines as a backbone (PMID: 25741868). Reclassification of these VUS variants from gnomAD or All of Us focused only on variants originally prescribed as VUS in ClinVar. To ensure reproducibility, transparency, and increased throughput, all the procedures for annotating variants and assigning evidence codes were codified using Python. All code has been made freely available and is linked in the Code Availability section and all reclassified variants with evidence codes used can be found in Tables S18-19 (preprint: doi:10.1101/2024.04.11.24305690). For the MAVE data, the clinical curation and clinical strength assignment as per the ClinGen recommendations in Brnich et al. (2020) (PMID: 31892348) for or against pathogenicity or benignity of each of these MAVE datasets utilized in this study were previously published in Fayer et al. (2021) (PMID: 34793697).In brief, for BRCA1 variants, if a variant was categorized as FUNC (functional), it was assigned BS3 evidence and no PS3 evidence, whereas if it was categorized as LOF (loss of function), the variant was assigned PS3 evidence and no BS3 evidence. Variants categorized as INT (intermediate) were left unannotated. For the BRCA1 combining criteria, greater than or equal to 1 criteria of strong benign evidence was enough to reclassify the VUS as Likely Benign. This variant GRCh38:17:43049144:G>A was assigned evidence codes ['BS3', 'BP4'] and an overall classification of Likely benign

Ambry Genetics
Classification: Likely benign for Hereditary cancer-predisposing syndrome. Last evaluated: 2023-03-17. Review status: criteria provided, single submitter. Criteria: Ambry Variant Classification Scheme 2023. Collection method: clinical testing. Allele origin: germline.

Counsyl
Classification: Uncertain significance for Breast-ovarian cancer, familial, susceptibility to, 1. Last evaluated: 2017-10-27. Review status: no assertion criteria provided. Collection method: clinical testing. Allele origin: unknown. Not counted in ClinVar's aggregate classification.

Brotman Baty Institute, University of Washington
No classification provided (evidence only). Condition: Breast-ovarian cancer, familial 1. Review status: no classification provided. Collection method: in vitro. Allele origin: not applicable. Functional consequence: functionally_normal. Not counted in ClinVar's aggregate classification.
ClinVar note: "not provided" was previously submitted as the classification for the variant. However, the classification appeared to be based only on an observation of functional data so it was converted to no classification on 2025-07-30.

Literature cited by the submitters: PubMed 26287763 (cited by Labcorp Genetics (formerly Invitae), Labcorp); PubMed 30209399 (cited by Labcorp Genetics (formerly Invitae), Labcorp and Ambry Genetics); PubMed 39142283 (cited by Lupski Lab, Baylor-Hopkins CMG, Baylor College of Medicine); PubMed 34793697 (cited by Lupski Lab, Baylor-Hopkins CMG, Baylor College of Medicine); DOI 10.1101/2024.04.11.24305690 (cited by Lupski Lab, Baylor-Hopkins CMG, Baylor College of Medicine).